The following is an entry in ClinVar:

NM_001145026.2(PTPRQ):c.6880T>C (p.Trp2294Arg)

Gene: PTPRQ (protein tyrosine phosphatase receptor type Q; plus strand). Cytogenetic location: 12q21.31.
Variant type: single nucleotide variant.
Coding change: c.6880T>C on transcript NM_001145026.2 (MANE Select); coding-DNA position 6880, T replaced by C.
Protein change: p.Trp2294Arg; replaces tryptophan 2294 with arginine.
Molecular consequence: missense variant.
Genome position (GRCh38, 1-based): chr12:80,679,003, T>C. VCF-style: chr12-80679003-T-C. GRCh37 (hg19) VCF-style: chr12-81072782-T-C.
Other names: short protein forms W2294R.
Identifiers: ClinVar variation 2643197 (VCV002643197.24), dbSNP rs1435860724, ClinGen allele CA385937443.

ClinVar aggregate classification (germline): Uncertain significance (1 of 4 stars; one submission).

Allele frequency attached by ClinVar (database versions not stated): TOPMed below 0.00001.

Submission:

CeGaT Center for Human Genetics Tuebingen
Classification: Uncertain significance. Last evaluated: 2022-07-01. Review status: criteria provided, single submitter. Criteria: CeGaT Center For Human Genetics Tuebingen Variant Classification Criteria Version 2. Collection method: clinical testing. Allele origin: germline. Affected: yes. Observed: 1 variant allele.
Comment: PTPRQ: PM2